The following is an entry in ClinVar:

NM_031407.7(HUWE1):c.9784A>G (p.Ser3262Gly)

Gene: HUWE1 (HECT, UBA and WWE domain containing E3 ubiquitin protein ligase 1; minus strand). Cytogenetic location: Xp11.22.
Variant type: single nucleotide variant.
Coding change: c.9784A>G on transcript NM_031407.7 (MANE Select); coding-DNA position 9784, A replaced by G.
Protein change: p.Ser3262Gly; replaces serine 3262 with glycine.
Molecular consequence: missense variant.
Genome position (GRCh38, 1-based): chrX:53,549,210, T>C on the plus strand (A>G on the coding strand, the complement: HUWE1 is on the minus strand). VCF-style: chrX-53549210-T-C. GRCh37 (hg19) VCF-style: chrX-53576171-T-C.
Other names: NC_000023.10:g.53576171T>C; short protein forms S3262G.
Identifiers: ClinVar variation 3906810 (VCV003906810.2).

ClinVar aggregate classification (germline): Uncertain significance (1 of 4 stars; one submission).

gnomAD v4.1: 1 of 1,212,285 alleles (0.000082%); highest among the groups gnomAD compares: Non-Finnish European, 0.00011%; no homozygotes.

Submissions (3):

GeneDx
Classification: Uncertain significance. Last evaluated: 2024-12-18. Review status: criteria provided, single submitter. Criteria: GeneDx Variant Classification Process June 2021. Collection method: clinical testing. Allele origin: germline. Affected: yes.
Comment: Not observed at significant frequency in large population cohorts (gnomAD); In silico analysis indicates that this missense variant does not alter protein structure/function; Has not been previously published as pathogenic or benign to our knowledge

Dr. Peter K. Rogan Lab, Western University
No classification provided (evidence only). Condition: Thyroid cancer, nonmedullary, 1. Review status: no classification provided. Collection method: in vitro. Allele origin: not applicable. Functional consequence: retained intron. Not counted in ClinVar's aggregate classification.

Dr. Peter K. Rogan Lab, Western University
No classification provided (evidence only). Condition: Thyroid cancer, nonmedullary, 1. Review status: no classification provided. Collection method: in vitro. Allele origin: not applicable. Functional consequence: skipped exon. Not counted in ClinVar's aggregate classification.